The following is an entry in ClinVar:

NM_001101426.4(CRPPA):c.933+87A>G

Gene: CRPPA (CDP-L-ribitol pyrophosphorylase A; minus strand). Cytogenetic location: 7p21.2.
Variant type: single nucleotide variant.
Coding change: c.933+87A>G on transcript NM_001101426.4 (MANE Select); 87 bases into the intron after coding-DNA position 933, A replaced by G.
Molecular consequence: intron variant.
Genome position (GRCh38, 1-based): chr7:16,278,042, T>C on the plus strand (A>G on the coding strand, the complement: CRPPA is on the minus strand). VCF-style: chr7-16278042-T-C. GRCh37 (hg19) VCF-style: chr7-16317667-T-C.
Other names: c.783+87A>G (NM_001101417.4); c.828+87A>G (NM_001368197.1).
Identifiers: ClinVar variation 681999 (VCV000681999.1), dbSNP rs3801431, ClinGen allele CA154748072.

ClinVar aggregate classification (germline): Benign (1 of 4 stars; one submission).

Allele frequency attached by ClinVar (database versions not stated): gnomAD exomes 0.10248; gnomAD 0.16398; TOPMed 0.17409; 1000 Genomes Project 0.19728; 1000 Genomes Project 30x 0.19863.
gnomAD v4.1: 82,981 of 717,266 alleles (12%); highest among the groups gnomAD compares: African/African-American, 35%; 6,923 homozygotes.

Submission:

GeneDx
Classification: Benign. Last evaluated: 2018-06-14. Review status: criteria provided, single submitter. Criteria: GeneDx Variant Classification (06012015). Collection method: clinical testing. Allele origin: germline. Affected: yes.
Comment: This variant is considered likely benign or benign based on one or more of the following criteria: it is a conservative change, it occurs at a poorly conserved position in the protein, it is predicted to be benign by multiple in silico algorithms, and/or has population frequency not consistent with disease.